The following is an entry in ClinVar:

NM_020791.4(TAOK1):c.136C>T (p.Arg46Ter)

Gene: TAOK1 (TAO kinase 1; plus strand). Cytogenetic location: 17q11.2.
Variant type: single nucleotide variant.
Coding change: c.136C>T on transcript NM_020791.4 (MANE Select); coding-DNA position 136, C replaced by T.
Protein change: p.Arg46Ter; replaces arginine 46 with a stop codon.
Molecular consequence: nonsense.
Genome position (GRCh38, 1-based): chr17:29,467,148, C>T. VCF-style: chr17-29467148-C-T. GRCh37 (hg19) VCF-style: chr17-27794166-C-T.
Other names: c.136C>T, p.Arg46Ter (NM_025142.1); short protein forms R46*.
Identifiers: ClinVar variation 2430486 (VCV002430486.4), dbSNP rs2030687889, ClinGen allele CA399187778.

ClinVar aggregate classification (germline): Pathogenic/Likely pathogenic. Review status: criteria provided, multiple submitters, no conflicts (2 of 4 stars). 3 submissions from 3 submitters: Pathogenic (2); Likely pathogenic (1). Last evaluated 2025-03-04.

Conditions:
Developmental delay with or without intellectual impairment or behavioral abnormalities. Identifiers: MedGen C5562004, MONDO:0859199, OMIM 619575.

Allele frequency attached by ClinVar (database versions not stated): TOPMed below 0.00001.

Submissions (3):

Institute of Human Genetics, University of Leipzig Medical Center
Classification: Pathogenic for Developmental delay with or without intellectual impairment or behavioral abnormalities. Last evaluated: 2025-03-04. Review status: criteria provided, single submitter. Criteria: ACMG Guidelines, 2015. Collection method: clinical testing. Allele origin: paternal. Inheritance: Autosomal dominant inheritance. Affected: yes.
Comment: Criteria applied: PVS1,PS4_MOD,PM2

GeneDx
Classification: Pathogenic. Last evaluated: 2022-08-23. Review status: criteria provided, single submitter. Criteria: GeneDx Variant Classification Process June 2021. Collection method: clinical testing. Allele origin: germline. Affected: yes.
Comment: Nonsense variant predicted to result in protein truncation or nonsense mediated decay in a gene for which loss of function is a known mechanism of disease; Not observed at significant frequency in large population cohorts (gnomAD); This variant is associated with the following publications: (PMID: 31981491)

Juno Genomics, Hangzhou Juno Genomics, Inc
Classification: Likely pathogenic for Developmental delay with or without intellectual impairment or behavioral abnormalities. Review status: criteria provided, single submitter. Criteria: ACMG Guidelines, 2015. Collection method: clinical testing. Allele origin: germline. Affected: yes.
Comment: Absent from controls (or at extremely low frequency if recessive) in Genome Aggregation Database, Exome Sequencing Project, 1000 Genomes Project, or Exome Aggregation Consortium.;Null variant in a gene where loss of function (LOF) is a known mechanism of disease.